The following is an entry in ClinVar:

ClinVar aggregate classification (germline): Likely benign. Review status: criteria provided, single submitter (1 of 4 stars). 2 submissions from 2 submitters: Likely benign (1). 1 of the submissions does not count toward it. Last evaluated 2026-01-28.

Conditions:
GRIP1-related disorder. Also called: GRIP1-related condition.

Allele frequency attached by ClinVar (database versions not stated): gnomAD exomes 0.00002; ExAC 0.00004; gnomAD 0.00019; ESP Exome Variant Server 0.00024; TOPMed 0.00023.
gnomAD v4.1: 60 of 1,613,052 alleles (0.0037%); highest among the groups gnomAD compares: African/African-American, 0.067%; no homozygotes.

Submissions (2):

Labcorp Genetics (formerly Invitae), Labcorp
Classification: Likely benign. Last evaluated: 2026-01-28. Review status: criteria provided, single submitter. Criteria: Invitae Variant Classification Sherloc (09022015). Collection method: clinical testing. Allele origin: germline.

PreventionGenetics, part of Exact Sciences
Classification: Likely benign for GRIP1-related condition. Last evaluated: 2024-03-27. Review status: no assertion criteria provided. Collection method: clinical testing. Allele origin: germline. Not counted in ClinVar's aggregate classification.
Comment: This variant is classified as likely benign based on ACMG/AMP sequence variant interpretation guidelines (Richards et al. 2015 PMID: 25741868, with internal and published modifications).

NM_001366722.1(GRIP1):c.2430T>C (p.Asp810=)

Gene: GRIP1 (glutamate receptor interacting protein 1; minus strand). Cytogenetic location: 12q14.3.
Variant type: single nucleotide variant.
Coding change: c.2430T>C on transcript NM_001366722.1 (MANE Select); coding-DNA position 2430, T replaced by C.
Protein change: p.Asp810=; no amino-acid change (aspartic acid 810 retained).
Molecular consequence: synonymous variant.
Genome position (GRCh38, 1-based): chr12:66,392,342, A>G on the plus strand (T>C on the coding strand, the complement: GRIP1 is on the minus strand). VCF-style: chr12-66392342-A-G. GRCh37 (hg19) VCF-style: chr12-66786122-A-G.
Other names: c.2274T>C, p.Asp758= (NM_001178074.2, NM_001379351.1, NM_021150.4); c.2349T>C, p.Asp783= (NM_001366723.1, NM_001379348.1); c.2352T>C, p.Asp784= (NM_001366724.1, NM_001379347.1); c.2508T>C, p.Asp836= (NM_001379345.1); c.2430T>C, p.Asp810= (NM_001379346.1); c.2277T>C, p.Asp759= (NM_001379349.1); c.2274T>C (NM_021150.3).
Identifiers: ClinVar variation 2914844 (VCV002914844.4), dbSNP rs371030807, ClinGen allele CA6674134.